The following is an entry in ClinVar:

ClinVar aggregate classification (germline): Uncertain significance (1 of 4 stars; one submission).

Conditions:
Neurofibromatosis, type 1 (NF1). Also called: VON RECKLINGHAUSEN DISEASE; Neurofibromatosis, type I; Peripheral type neurofibromatosis; NEUROFIBROMATOSIS, TYPE I, SOMATIC. Identifiers: Orphanet 636, MedGen C0027831, MONDO:0018975, OMIM 162200. Disease mechanism: loss of function.

Submission:

Labcorp Genetics (formerly Invitae), Labcorp
Classification: Uncertain significance for Neurofibromatosis, type 1. Last evaluated: 2023-04-17. Review status: criteria provided, single submitter. Criteria: Invitae Variant Classification Sherloc (09022015). Collection method: clinical testing. Allele origin: germline.
Comment: In summary, the available evidence is currently insufficient to determine the role of this variant in disease. Therefore, it has been classified as a Variant of Uncertain Significance. Advanced modeling of protein sequence and biophysical properties (such as structural, functional, and spatial information, amino acid conservation, physicochemical variation, residue mobility, and thermodynamic stability) performed at Invitae indicates that this missense variant is expected to disrupt NF1 protein function. This variant has not been reported in the literature in individuals affected with NF1-related conditions. This variant is not present in population databases (gnomAD no frequency). This sequence change replaces tyrosine, which is neutral and polar, with cysteine, which is neutral and slightly polar, at codon 227 of the NF1 protein (p.Tyr227Cys).

NM_001042492.3(NF1):c.680A>G (p.Tyr227Cys)

Gene: NF1 (neurofibromin 1; plus strand). Cytogenetic location: 17q11.2.
Variant type: single nucleotide variant.
Coding change: c.680A>G on transcript NM_001042492.3 (MANE Select); coding-DNA position 680, A replaced by G.
Protein change: p.Tyr227Cys; replaces tyrosine 227 with cysteine.
Molecular consequence: missense variant.
Genome position (GRCh38, 1-based): chr17:31,181,735, A>G. VCF-style: chr17-31181735-A-G. GRCh37 (hg19) VCF-style: chr17-29508753-A-G.
Other names: c.680A>G, p.Tyr227Cys (NM_000267.4, NM_001128147.3); short protein forms Y227C.
Identifiers: ClinVar variation 2857147 (VCV002857147.3), dbSNP rs1555608742, ClinGen allele CA398989850.
Genomic context (GRCh38, chr17:31,181,735, plus strand): 5'-AATCACTGTAAAGACATGTGGTTCTTTATTTATAGGCATTTTGGAACTGGGTAGAAAATT[A>G]TCCAGATGAATTTACAAAACTGTACCAGATCCCACAGACTGATATGGCTGGTAAGGATAC-3'
Protein context (NP_001035957.1, residues 217-237): EKAFWNWVEN[Tyr227Cys]PDEFTKLYQI